The following is an entry in ClinVar:

NM_022051.3(EGLN1):c.115_121del (p.Ser39fs)

Gene: EGLN1 (egl-9 family hypoxia inducible factor 1; minus strand). Cytogenetic location: 1q42.2.
Variant type: Deletion.
Coding change: c.115_121del on transcript NM_022051.3 (MANE Select); coding-DNA positions 115 to 121, 7 bases deleted (TCCTTCT; older notation c.115_121delTCCTTCT).
Protein change: p.Ser39fs; shifts the reading frame from serine 39.
Molecular consequence: frameshift variant.
Genome position (GRCh38, 1-based): chr1:231,421,768-231,421,774, AGAAGGA deleted on the plus strand (TCCTTCT on the coding strand, the reverse complement: EGLN1 is on the minus strand). VCF-style (leftmost placement, unchanged base first): chr1-231421767-TAGAAGGA-T. GRCh37 (hg19) VCF-style: chr1-231557513-TAGAAGGA-T.
Other names: c.115_121del, p.Ser39fs (NM_001377260.1, NM_001377261.1); short protein forms S39fs.
Identifiers: ClinVar variation 3656741 (VCV003656741.3).

ClinVar aggregate classification (germline): Pathogenic/Likely pathogenic. Review status: criteria provided, multiple submitters, no conflicts (2 of 4 stars). 2 submissions from 2 submitters: Pathogenic (1); Likely pathogenic (1). Last evaluated 2024-06-27.

Conditions:
Erythrocytosis, familial, 3 (ECYT3). Identifiers: Orphanet 247511, MedGen C1853286, MONDO:0012353, OMIM 609820.

Submissions (2):

ARUP Laboratories, Molecular Genetics and Genomics, ARUP Laboratories
Classification: Likely pathogenic. Last evaluated: 2024-06-27. Review status: criteria provided, single submitter. Criteria: ARUP Molecular Germline Variant Investigation Process 2024. Collection method: clinical testing. Allele origin: germline.
Comment: The EGLN1 c.115_121del; p.Ser39ThrfsTer72 variant, to our knowledge, is not reported in the medical literature or gene specific databases. This variant is also absent from the Genome Aggregation Database (v2.1.1), indicating it is not a common polymorphism. This variant causes a frameshift by deleting 7 nucleotides, so it is predicted to result in a truncated protein or mRNA subject to nonsense-mediated decay. Based on available information, this variant is considered to be likely pathogenic.

Labcorp Genetics (formerly Invitae), Labcorp
Classification: Pathogenic for Erythrocytosis, familial, 3. Last evaluated: 2024-06-15. Review status: criteria provided, single submitter. Criteria: Invitae Variant Classification Sherloc (09022015). Collection method: clinical testing. Allele origin: germline.
Comment: This sequence change creates a premature translational stop signal (p.Ser39Thrfs*72) in the EGLN1 gene. It is expected to result in an absent or disrupted protein product. Loss-of-function variants in EGLN1 are known to be pathogenic (PMID: 17933562, 21933857). This variant is not present in population databases (gnomAD no frequency). This variant has not been reported in the literature in individuals affected with EGLN1-related conditions. For these reasons, this variant has been classified as Pathogenic.

Literature cited by the submitters: PubMed 17933562 (cited by Labcorp Genetics (formerly Invitae), Labcorp); PubMed 21933857 (cited by Labcorp Genetics (formerly Invitae), Labcorp).